The following is an entry in ClinVar:

ClinVar aggregate classification (germline): Uncertain significance (1 of 4 stars; one submission).

Submission:

Ambry Genetics
Classification: Uncertain significance. Last evaluated: 2024-10-31. Review status: criteria provided, single submitter. Criteria: Ambry Variant Classification Scheme 2023. Collection method: clinical testing. Allele origin: germline.
Comment: The p.L2327V variant (also known as c.6979C>G), located in coding exon 25 of the POLQ gene, results from a C to G substitution at nucleotide position 6979. The leucine at codon 2327 is replaced by valine, an amino acid with highly similar properties. This amino acid position is conserved. In addition, the in silico prediction for this alteration is inconclusive. Based on the available evidence, the clinical significance of this variant remains unclear.

NM_199420.4(POLQ):c.6979C>G (p.Leu2327Val)

Gene: POLQ (DNA polymerase theta; minus strand). Cytogenetic location: 3q13.33.
Variant type: single nucleotide variant.
Coding change: c.6979C>G on transcript NM_199420.4 (MANE Select); coding-DNA position 6979, C replaced by G.
Protein change: p.Leu2327Val; replaces leucine 2327 with valine.
Molecular consequence: missense variant.
Genome position (GRCh38, 1-based): chr3:121,460,223, G>C on the plus strand (C>G on the coding strand, the complement: POLQ is on the minus strand). VCF-style: chr3-121460223-G-C. GRCh37 (hg19) VCF-style: chr3-121179070-G-C.
Other names: short protein forms L2327V.
Identifiers: ClinVar variation 3422637 (VCV003422637.1).